The following is an entry in ClinVar:

NM_003803.4(MYOM1):c.91C>T (p.Arg31Trp)

Gene: MYOM1 (myomesin 1; minus strand). Cytogenetic location: 18p11.31.
Variant type: single nucleotide variant.
Coding change: c.91C>T on transcript NM_003803.4 (MANE Select); coding-DNA position 91, C replaced by T.
Protein change: p.Arg31Trp; replaces arginine 31 with tryptophan.
Molecular consequence: missense variant.
Genome position (GRCh38, 1-based): chr18:3,215,133, G>A on the plus strand (C>T on the coding strand, the complement: MYOM1 is on the minus strand). VCF-style: chr18-3215133-G-A. GRCh37 (hg19) VCF-style: chr18-3215131-G-A.
Other names: c.91C>T, p.Arg31Trp (NM_019856.2); short protein forms R31W.
Identifiers: ClinVar variation 2955766 (VCV002955766.3), dbSNP rs76382984, ClinGen allele CA401718296.

ClinVar aggregate classification (germline): Uncertain significance (1 of 4 stars; one submission).

Conditions:
Hypertrophic cardiomyopathy. Also called: HYPERTROPHIC MYOCARDIOPATHY. Identifiers: Orphanet 217569, MedGen C0007194, MeSH D002312, MONDO:0005045, HP:0001639.

Submission:

Labcorp Genetics (formerly Invitae), Labcorp
Classification: Uncertain significance for Hypertrophic cardiomyopathy. Last evaluated: 2023-05-19. Review status: criteria provided, single submitter. Criteria: Invitae Variant Classification Sherloc (09022015). Collection method: clinical testing. Allele origin: germline.
Comment: In summary, the available evidence is currently insufficient to determine the role of this variant in disease. Therefore, it has been classified as a Variant of Uncertain Significance. An algorithm developed to predict the effect of missense changes on protein structure and function (PolyPhen-2) suggests that this variant is likely to be tolerated. This variant has not been reported in the literature in individuals affected with MYOM1-related conditions. This variant is not present in population databases (gnomAD no frequency). This sequence change replaces arginine, which is basic and polar, with tryptophan, which is neutral and slightly polar, at codon 31 of the MYOM1 protein (p.Arg31Trp).